The following is an entry in ClinVar:

ClinVar aggregate classification (germline): Uncertain significance (1 of 4 stars; one submission).

Conditions:
Familial thoracic aortic aneurysm and aortic dissection (TAAD). Also called: Thoracic aortic aneurysms and dissections. Identifiers: Orphanet 91387, MedGen C4707243, MONDO:0019625.

Submission:

Ambry Genetics
Classification: Uncertain significance for Familial thoracic aortic aneurysm and aortic dissection. Last evaluated: 2022-09-17. Review status: criteria provided, single submitter. Criteria: Ambry Variant Classification Scheme 2023. Collection method: clinical testing. Allele origin: germline.
Comment: The p.E1574K variant (also known as c.4720G>A), located in coding exon 25 of the MYLK gene, results from a G to A substitution at nucleotide position 4720. The glutamic acid at codon 1574 is replaced by lysine, an amino acid with similar properties. This amino acid position is conserved. In addition, this alteration is predicted to be tolerated by in silico analysis. Since supporting evidence is limited at this time, the clinical significance of this alteration remains unclear.

NM_053025.4(MYLK):c.4720G>A (p.Glu1574Lys)

Gene: MYLK (myosin light chain kinase; minus strand). Cytogenetic location: 3q21.1.
Variant type: single nucleotide variant.
Coding change: c.4720G>A on transcript NM_053025.4 (MANE Select); coding-DNA position 4720, G replaced by A.
Protein change: p.Glu1574Lys; replaces glutamic acid 1574 with lysine.
Molecular consequence: missense variant.
Genome position (GRCh38, 1-based): chr3:123,640,404, C>T on the plus strand (G>A on the coding strand, the complement: MYLK is on the minus strand). VCF-style: chr3-123640404-C-T. GRCh37 (hg19) VCF-style: chr3-123359251-C-T.
Other names: c.4192G>A, p.Glu1398Lys (NM_001321309.2); c.4513G>A, p.Glu1505Lys (NM_053026.4, NM_053028.4); c.4720G>A, p.Glu1574Lys (NM_053027.4); short protein forms E1574K, E1505K, E1398K.
Identifiers: ClinVar variation 1742663 (VCV001742663.2), dbSNP rs2473240473, ClinGen allele CA354226111.